The following is an entry in ClinVar:

ClinVar aggregate classification (germline): Uncertain significance (1 of 4 stars; one submission).

Conditions:
Cholestanol storage disease (CTX). Also called: CTX: Cerebrotendinous xanthomatosis; Cerebrotendinous Xanthomatosis; CEREBRAL CHOLESTERINOSIS. Identifiers: Orphanet 909, MedGen C0238052, MONDO:0008948, OMIM 213700.

Submission:

Labcorp Genetics (formerly Invitae), Labcorp
Classification: Uncertain significance for Cholestanol storage disease. Last evaluated: 2021-06-21. Review status: criteria provided, single submitter. Criteria: Invitae Variant Classification Sherloc (09022015). Collection method: clinical testing. Allele origin: germline.
Comment: In summary, the available evidence is currently insufficient to determine the role of this variant in disease. Therefore, it has been classified as a Variant of Uncertain Significance. Advanced modeling of protein sequence and biophysical properties (such as structural, functional, and spatial information, amino acid conservation, physicochemical variation, residue mobility, and thermodynamic stability) performed at Invitae indicates that this missense variant is not expected to disrupt CYP27A1 protein function. This variant has not been reported in the literature in individuals with CYP27A1-related conditions. This variant is not present in population databases (ExAC no frequency). This sequence change replaces leucine with phenylalanine at codon 290 of the CYP27A1 protein (p.Leu290Phe). The leucine residue is moderately conserved and there is a small physicochemical difference between leucine and phenylalanine.

NM_000784.4(CYP27A1):c.868C>T (p.Leu290Phe)

Gene: CYP27A1 (cytochrome P450 family 27 subfamily A member 1; plus strand). Cytogenetic location: 2q35.
Variant type: single nucleotide variant.
Coding change: c.868C>T on transcript NM_000784.4 (MANE Select); coding-DNA position 868, C replaced by T.
Protein change: p.Leu290Phe; replaces leucine 290 with phenylalanine.
Molecular consequence: missense variant.
Genome position (GRCh38, 1-based): chr2:218,812,947, C>T. VCF-style: chr2-218812947-C-T. GRCh37 (hg19) VCF-style: chr2-219677670-C-T.
Other names: short protein forms L290F.
Identifiers: ClinVar variation 1514717 (VCV001514717.8), dbSNP rs2105980402, ClinGen allele CA350588061.